The following is an entry in ClinVar:

ClinVar aggregate classification (germline): Uncertain significance. Review status: criteria provided, multiple submitters, no conflicts (2 of 4 stars). 4 submissions from 4 submitters: Uncertain significance (4). Last evaluated 2024-12-09.

Allele frequency attached by ClinVar (database versions not stated): gnomAD 0.00009; gnomAD exomes 0.00009 and 0.00019; TOPMed 0.00012.
gnomAD v4.1: 297 of 1,549,004 alleles (0.019%); highest among the groups gnomAD compares: Non-Finnish European, 0.023%; no homozygotes.

Submissions (4):

Mayo Clinic Laboratories, Mayo Clinic
Classification: Uncertain significance. Last evaluated: 2024-12-09. Review status: criteria provided, single submitter. Criteria: ACMG Guidelines, 2015. Collection method: clinical testing. Allele origin: germline. Observed: 1 variant allele.

GeneDx
Classification: Uncertain significance. Last evaluated: 2024-11-07. Review status: criteria provided, single submitter. Criteria: GeneDx Variant Classification Process June 2021. Collection method: clinical testing. Allele origin: germline. Affected: yes.
Comment: In silico analysis indicates that this missense variant does not alter protein structure/function; Has not been previously published as pathogenic or benign to our knowledge

CeGaT Center for Human Genetics Tuebingen
Classification: Uncertain significance. Last evaluated: 2024-06-01. Review status: criteria provided, single submitter. Criteria: CeGaT Center For Human Genetics Tuebingen Variant Classification Criteria Version 2. Collection method: clinical testing. Allele origin: germline. Affected: yes. Observed: 1 variant allele.

Labcorp Genetics (formerly Invitae), Labcorp
Classification: Uncertain significance. Last evaluated: 2021-09-01. Review status: criteria provided, single submitter. Criteria: Invitae Variant Classification Sherloc (09022015). Collection method: clinical testing. Allele origin: germline.
Comment: This sequence change replaces threonine with isoleucine at codon 1080 of the OTOG protein (p.Thr1080Ile). The threonine residue is highly conserved and there is a moderate physicochemical difference between threonine and isoleucine. The frequency data for this variant in the population databases is considered unreliable, as metrics indicate insufficient coverage at this position in the ExAC database. This variant has not been reported in the literature in individuals affected with OTOG-related conditions. Algorithms developed to predict the effect of missense changes on protein structure and function are either unavailable or do not agree on the potential impact of this missense change (SIFT: "Deleterious"; PolyPhen-2: "Benign"; Align-GVGD: "Class C0"). In summary, the available evidence is currently insufficient to determine the role of this variant in disease. Therefore, it has been classified as a Variant of Uncertain Significance.

NM_001292063.2(OTOG):c.3203C>T (p.Thr1068Ile)

Gene: OTOG (otogelin; plus strand). Cytogenetic location: 11p15.1.
Variant type: single nucleotide variant.
Coding change: c.3203C>T on transcript NM_001292063.2 (MANE Select); coding-DNA position 3203, C replaced by T.
Protein change: p.Thr1068Ile; replaces threonine 1068 with isoleucine.
Molecular consequence: missense variant.
Genome position (GRCh38, 1-based): chr11:17,593,671, C>T. VCF-style: chr11-17593671-C-T. GRCh37 (hg19) VCF-style: chr11-17615218-C-T.
Other names: p.Thr1080Ile; c.3239C>T (NM_001277269.1); c.3239C>T, p.Thr1080Ile (NM_001277269.2); short protein forms T1068I, T1080I.
Identifiers: ClinVar variation 1444534 (VCV001444534.23), dbSNP rs914932265, ClinGen allele CA218460248.